The following is an entry in ClinVar:

NM_007294.4(BRCA1):c.5376G>T (p.Val1792=)

Gene: BRCA1 (BRCA1 DNA repair associated; minus strand). Cytogenetic location: 17q21.31.
Variant type: single nucleotide variant.
Coding change: c.5376G>T on transcript NM_007294.4 (MANE Select); coding-DNA position 5376, G replaced by T.
Protein change: p.Val1792=; no amino-acid change (valine 1792 retained).
Molecular consequence: synonymous variant. On other transcripts: intron variant (19).
Genome position (GRCh38, 1-based): chr17:43,049,151, C>A on the plus strand (G>T on the coding strand, the complement: BRCA1 is on the minus strand). VCF-style: chr17-43049151-C-A. GRCh37 (hg19) VCF-style: chr17-41201168-C-A.
Other names: c.5169G>T, p.Val1723= (NM_001407875.1, NM_001407874.1); c.5166G>T, p.Val1722= (NM_001407879.1, NM_001407881.1, NM_001407882.1 and 5 more transcripts); c.5163G>T, p.Val1721= (NM_001407894.1, NM_001407895.1, NM_001407896.1 and 12 more transcripts); c.5160G>T, p.Val1720= (NM_001407915.1, NM_001407916.1, NM_001407917.1 and 1 more transcripts); c.5112G>T, p.Val1704= (NM_001407920.1, NM_001407921.1, NM_001407922.1 and 4 more transcripts); c.5109G>T, p.Val1703= (NM_001407927.1, NM_001407928.1, NM_001407929.1 and 4 more transcripts); c.5106G>T, p.Val1702= (NM_001407934.1, NM_001407935.1, NM_001407936.1); c.5043G>T, p.Val1681= (NM_001407946.1, NM_001407947.1, NM_001407948.1 and 1 more transcripts); and 84 more.
Identifiers: ClinVar variation 868393 (VCV000868393.3), dbSNP rs1060504569, ClinGen allele CA500143295.

Conditions:
Breast-ovarian cancer, familial, susceptibility to, 1 (BROVCA1). Also called: BRCA1 Hereditary Breast and Ovarian Cancer; OVARIAN CANCER, SUSCEPTIBILITY TO. Identifiers: Orphanet 145, MedGen C2676676, MONDO:0011450, OMIM 604370. Disease mechanism: loss of function.

Submission:

Brotman Baty Institute, University of Washington
No classification provided (evidence only). Condition: Breast-ovarian cancer, familial 1. Review status: no classification provided. Collection method: in vitro. Allele origin: not applicable. Functional consequence: functionally_normal.
ClinVar note: "not provided" was previously submitted as the classification for the variant. However, the classification appeared to be based only on an observation of functional data so it was converted to no classification on 2025-07-30.